The following is an entry in ClinVar:

NM_001903.5(CTNNA1):c.370A>G (p.Met124Val)

Gene: CTNNA1 (catenin alpha 1; plus strand). Cytogenetic location: 5q31.2.
Variant type: single nucleotide variant.
Coding change: c.370A>G on transcript NM_001903.5 (MANE Select); coding-DNA position 370, A replaced by G.
Protein change: p.Met124Val; replaces methionine 124 with valine.
Molecular consequence: missense variant. On other transcripts: initiator codon variant (1).
Genome position (GRCh38, 1-based): chr5:138,810,106, A>G. VCF-style: chr5-138810106-A-G. GRCh37 (hg19) VCF-style: chr5-138145795-A-G.
Other names: c.370A>G, p.Met124Val (NM_001290307.3, NM_001323982.2, NM_001323983.1 and 3 more transcripts); c.61A>G, p.Met21Val (NM_001290309.3); c.1A>G, p.Met1Val (NM_001290310.3); short protein forms M21V, M124V, M1V.
Identifiers: ClinVar variation 640294 (VCV000640294.18), dbSNP rs765587517, ClinGen allele CA3431431.
Genomic context (GRCh38, chr5:138,810,106, plus strand): 5'-ATGAAGGCTGCTGCAGGAGAGTTCGCAGATGATCCCTGCTCTTCTGTGAAGCGAGGCAAC[A>G]TGGTTCGGGCAGCTCGAGCTTTGCTCTCTGCTGTTACCCGGTTGCTGATTTTGGCTGACA-3'
Protein context (NP_001894.2, residues 114-134): DPCSSVKRGN[Met124Val]VRAARALLSA

ClinVar aggregate classification (germline): Conflicting classifications of pathogenicity. Review status: criteria provided, conflicting classifications (1 of 4 stars). 5 submissions from 5 submitters: Uncertain significance (3); Benign (1); Likely benign (1). Last evaluated 2026-01-28.

Conditions:
Patterned macular dystrophy 2. Identifiers: Orphanet 99001, MedGen C1837029, MONDO:0012162, OMIM 608970.
Hereditary cancer-predisposing syndrome. Also called: Tumor predisposition; Neoplastic Syndromes, Hereditary; Hereditary Cancer Syndrome; Hereditary neoplastic syndrome. Identifiers: Orphanet 140162, MedGen C0027672, MeSH D009386, MONDO:0015356.

Allele frequency attached by ClinVar (database versions not stated): TOPMed 0.00003; gnomAD exomes 0.00005 and 0.00009; ExAC 0.00010.

Submissions (5):

Labcorp Genetics (formerly Invitae), Labcorp
Classification: Uncertain significance. Last evaluated: 2026-01-28. Review status: criteria provided, single submitter. Criteria: Invitae Variant Classification Sherloc (09022015). Collection method: clinical testing. Allele origin: germline.
Comment: This sequence change replaces methionine, which is neutral and non-polar, with valine, which is neutral and non-polar, at codon 124 of the CTNNA1 protein (p.Met124Val). This variant is present in population databases (rs765587517, gnomAD 0.05%), and has an allele count higher than expected for a pathogenic variant. This variant has not been reported in the literature in individuals affected with CTNNA1-related conditions. ClinVar contains an entry for this variant (Variation ID: 640294). Invitae Evidence Modeling of protein sequence and biophysical properties (such as structural, functional, and spatial information, amino acid conservation, physicochemical variation, residue mobility, and thermodynamic stability) indicates that this missense variant is not expected to disrupt CTNNA1 protein function with a negative predictive value of 80%. In summary, the available evidence is currently insufficient to determine the role of this variant in disease. Therefore, it has been classified as a Variant of Uncertain Significance.

Blueprint Genetics
Classification: Likely benign. Last evaluated: 2024-11-21. Review status: criteria provided, single submitter. Criteria: ACMG Guidelines, 2015. Collection method: clinical testing. Allele origin: germline.

GeneDx
Classification: Uncertain significance. Last evaluated: 2024-03-07. Review status: criteria provided, single submitter. Criteria: GeneDx Variant Classification Process June 2021. Collection method: clinical testing. Allele origin: germline. Affected: yes.
Comment: In silico analysis supports that this missense variant does not alter protein structure/function; Observed in individuals referred for hereditary cancer multi-gene panel testing (PMID: 32051609); This variant is associated with the following publications: (PMID: 32051609)

Baylor Genetics
Classification: Uncertain significance for Patterned macular dystrophy 2. Last evaluated: 2024-02-27. Review status: criteria provided, single submitter. Criteria: ACMG Guidelines, 2015. Collection method: clinical testing. Allele origin: unknown.

Ambry Genetics
Classification: Benign for Hereditary cancer-predisposing syndrome. Last evaluated: 2023-07-31. Review status: criteria provided, single submitter. Criteria: Ambry Variant Classification Scheme 2023. Collection method: clinical testing. Allele origin: germline.

Literature cited by the submitters: PubMed 32051609 (cited by Ambry Genetics).